The following is an entry in ClinVar:

ClinVar aggregate classification (germline): Uncertain significance. Review status: criteria provided, multiple submitters, no conflicts (2 of 4 stars). 2 submissions from 2 submitters: Uncertain significance (2). Last evaluated 2024-01-03.

Allele frequency attached by ClinVar (database versions not stated): TOPMed 0.00002; gnomAD 0.00003.
gnomAD v4.1: 44 of 1,613,956 alleles (0.0027%); highest among the groups gnomAD compares: Non-Finnish European, 0.0034%; no homozygotes.

Submissions (2):

GeneDx
Classification: Uncertain significance. Last evaluated: 2024-01-03. Review status: criteria provided, single submitter. Criteria: GeneDx Variant Classification Process June 2021. Collection method: clinical testing. Allele origin: germline. Affected: yes.
Comment: Not observed at significant frequency in large population cohorts (gnomAD); In silico analysis supports that this missense variant has a deleterious effect on protein structure/function; Has not been previously published as pathogenic or benign to our knowledge

Labcorp Genetics (formerly Invitae), Labcorp
Classification: Uncertain significance. Last evaluated: 2022-02-24. Review status: criteria provided, single submitter. Criteria: Invitae Variant Classification Sherloc (09022015). Collection method: clinical testing. Allele origin: germline.
Comment: This sequence change replaces arginine, which is basic and polar, with tryptophan, which is neutral and slightly polar, at codon 327 of the COX15 protein (p.Arg327Trp). This variant is present in population databases (rs200799839, gnomAD 0.003%). This variant has not been reported in the literature in individuals affected with COX15-related conditions. Algorithms developed to predict the effect of missense changes on protein structure and function are either unavailable or do not agree on the potential impact of this missense change (SIFT: "Not Available"; PolyPhen-2: "Probably Damaging"; Align-GVGD: "Not Available"). In summary, the available evidence is currently insufficient to determine the role of this variant in disease. Therefore, it has been classified as a Variant of Uncertain Significance.

NM_078470.6(COX15):c.979C>T (p.Arg327Trp)

Gene: COX15 (cytochrome c oxidase assembly homolog COX15; minus strand). Cytogenetic location: 10q24.2.
Variant type: single nucleotide variant.
Coding change: c.979C>T on transcript NM_078470.6 (MANE Select); coding-DNA position 979, C replaced by T.
Protein change: p.Arg327Trp; replaces arginine 327 with tryptophan.
Molecular consequence: missense variant. On other transcripts: intron variant (2).
Genome position (GRCh38, 1-based): chr10:99,718,354, G>A on the plus strand (C>T on the coding strand, the complement: COX15 is on the minus strand). VCF-style: chr10-99718354-G-A. GRCh37 (hg19) VCF-style: chr10-101478111-G-A.
Other names: c.979C>T, p.Arg327Trp (NM_001320974.2, NM_001372024.1, NM_001372025.1 and 2 more transcripts); c.442C>T, p.Arg148Trp (NM_001320976.2); c.952C>T, p.Arg318Trp (NM_001372026.1); c.833-1893C>T (NM_001372028.1, NM_001320975.2); short protein forms R148W, R318W, R327W.
Identifiers: ClinVar variation 1941425 (VCV001941425.3), dbSNP rs200799839, ClinGen allele CA212824875.